The following is an entry in ClinVar:

ClinVar aggregate classification (germline): Uncertain significance. Review status: criteria provided, multiple submitters, no conflicts (2 of 4 stars). 2 submissions from 2 submitters: Uncertain significance (2). Last evaluated 2022-04-15.

Allele frequency attached by ClinVar (database versions not stated): ExAC 0.00002; gnomAD 0.00002; 1000 Genomes Project 30x 0.00016; 1000 Genomes Project 0.00020.
gnomAD v4.1: 22 of 1,614,152 alleles (0.0014%); highest among the groups gnomAD compares: Middle Eastern, 0.016%; no homozygotes.

Submissions (2):

Labcorp Genetics (formerly Invitae), Labcorp
Classification: Uncertain significance. Last evaluated: 2022-04-15. Review status: criteria provided, single submitter. Criteria: Invitae Variant Classification Sherloc (09022015). Collection method: clinical testing. Allele origin: germline.
Comment: This sequence change replaces arginine, which is basic and polar, with tryptophan, which is neutral and slightly polar, at codon 62 of the RGS9 protein (p.Arg62Trp). This variant is present in population databases (rs544504106, gnomAD 0.01%). This variant has not been reported in the literature in individuals affected with RGS9-related conditions. Algorithms developed to predict the effect of missense changes on protein structure and function are either unavailable or do not agree on the potential impact of this missense change (SIFT: "Deleterious"; PolyPhen-2: "Probably Damaging"; Align-GVGD: "Class C0"). In summary, the available evidence is currently insufficient to determine the role of this variant in disease. Therefore, it has been classified as a Variant of Uncertain Significance.

Blueprint Genetics
Classification: Uncertain significance. Last evaluated: 2021-09-06. Review status: criteria provided, single submitter. Criteria: ACMG Guidelines, 2015. Collection method: clinical testing. Allele origin: germline.

NM_003835.4(RGS9):c.184C>T (p.Arg62Trp)

Gene: RGS9 (regulator of G protein signaling 9; plus strand). Cytogenetic location: 17q24.1.
Variant type: single nucleotide variant.
Coding change: c.184C>T on transcript NM_003835.4 (MANE Select); coding-DNA position 184, C replaced by T.
Protein change: p.Arg62Trp; replaces arginine 62 with tryptophan.
Molecular consequence: missense variant.
Genome position (GRCh38, 1-based): chr17:65,158,324, C>T. VCF-style: chr17-65158324-C-T. GRCh37 (hg19) VCF-style: chr17-63154442-C-T.
Other names: c.184C>T, p.Arg62Trp (NM_001081955.3, NM_001165933.2); short protein forms R62W.
Identifiers: ClinVar variation 1977772 (VCV001977772.4), dbSNP rs544504106, ClinGen allele CA8717522.